The following is an entry in ClinVar:

ClinVar aggregate classification (germline): Uncertain significance (1 of 4 stars; one submission).

Conditions:
Fanconi anemia (FA). Also called: Fanconi's anemia. Identifiers: Orphanet 84, MedGen C0015625, MeSH D005199, MONDO:0019391.

Submission:

Labcorp Genetics (formerly Invitae), Labcorp
Classification: Uncertain significance for Fanconi anemia. Last evaluated: 2018-06-13. Review status: criteria provided, single submitter. Criteria: Invitae Variant Classification Sherloc (09022015). Collection method: clinical testing. Allele origin: germline.
Comment: In summary, the available evidence is currently insufficient to determine the role of this variant in disease. Therefore, it has been classified as a Variant of Uncertain Significance. Algorithms developed to predict the effect of missense changes on protein structure and function are either unavailable or do not agree on the potential impact of this missense change (SIFT: "Tolerated"; PolyPhen-2: "Possibly Damaging"; Align-GVGD: "Class C0"). This variant has not been reported in the literature in individuals with FANCD2-related disease. This variant is not present in population databases (ExAC no frequency). This sequence change replaces isoleucine with methionine at codon 93 of the FANCD2 protein (p.Ile93Met). The isoleucine residue is moderately conserved and there is a small physicochemical difference between isoleucine and methionine.

NM_001018115.3(FANCD2):c.279A>G (p.Ile93Met)

Genes: FANCD2 (FA complementation group D2; plus strand), LOC107303338 (3p25 FANCD2 Alu-mediated recombination region; plus strand). Cytogenetic location: 3p25.3.
Variant type: single nucleotide variant.
Coding change: c.279A>G on transcript NM_001018115.3 (MANE Select); coding-DNA position 279, A replaced by G.
Protein change: p.Ile93Met; replaces isoleucine 93 with methionine.
Molecular consequence: missense variant.
Genome position (GRCh38, 1-based): chr3:10,034,700, A>G. VCF-style: chr3-10034700-A-G. GRCh37 (hg19) VCF-style: chr3-10076384-A-G.
Other names: c.279A>G, p.Ile93Met (NM_001319984.2, NM_001374253.1, NM_001374254.1 and 2 more transcripts); short protein forms I93M.
Identifiers: ClinVar variation 567360 (VCV000567360.8), dbSNP rs1559370542, ClinGen allele CA351720485.
Genomic context (GRCh38, chr3:10,034,700, plus strand): 5'-CAGCAAATATTAAACTAAAAATTTTATTCTTTTTTATTTTTTAAATCTCCTTAAGATAAT[A>G]GAAGAATTTGTTAGTGGCCTGGAGTCTTACATTGAGGATGAAGACAGTTTCAGGAACTGC-3'
Protein context (NP_001018125.1, residues 83-103): LRRHPSYPKI[Ile93Met]EEFVSGLESY